The following is an entry in ClinVar:

ClinVar aggregate classification (germline): Uncertain significance (1 of 4 stars; one submission).

Conditions:
Gastrointestinal stromal tumor. Also called: Gastrointestinal stromal tumor, somatic; Gastrointestinal stroma tumor. Identifiers: Orphanet 44890, MedGen C0238198, MeSH D046152, MONDO:0011719, OMIM 606764, HP:0100723.

Submission:

Labcorp Genetics (formerly Invitae), Labcorp
Classification: Uncertain significance for Gastrointestinal stromal tumor. Last evaluated: 2023-10-05. Review status: criteria provided, single submitter. Criteria: Invitae Variant Classification Sherloc (09022015). Collection method: clinical testing. Allele origin: germline.
Comment: This sequence change replaces alanine, which is neutral and non-polar, with aspartic acid, which is acidic and polar, at codon 617 of the KIT protein (p.Ala617Asp). This variant is not present in population databases (gnomAD no frequency). This variant has not been reported in the literature in individuals affected with KIT-related conditions. An algorithm developed to predict the effect of missense changes on protein structure and function (PolyPhen-2) suggests that this variant is likely to be disruptive. In summary, the available evidence is currently insufficient to determine the role of this variant in disease. Therefore, it has been classified as a Variant of Uncertain Significance.

NM_000222.3(KIT):c.1850C>A (p.Ala617Asp)

Gene: KIT (KIT proto-oncogene, receptor tyrosine kinase; plus strand). Cytogenetic location: 4q12.
Variant type: single nucleotide variant.
Coding change: c.1850C>A on transcript NM_000222.3 (MANE Select); coding-DNA position 1850, C replaced by A.
Protein change: p.Ala617Asp; replaces alanine 617 with aspartic acid.
Molecular consequence: missense variant.
Genome position (GRCh38, 1-based): chr4:54,727,898, C>A. VCF-style: chr4-54727898-C-A. GRCh37 (hg19) VCF-style: chr4-55594064-C-A.
Other names: c.1838C>A, p.Ala613Asp (NM_001093772.2, NM_001385286.1); c.1853C>A, p.Ala618Asp (NM_001385284.1, NM_001385290.1); c.1850C>A, p.Ala617Asp (NM_001385285.1); c.1841C>A, p.Ala614Asp (NM_001385288.1, NM_001385292.1); short protein forms A613D, A614D, A617D, A618D.
Identifiers: ClinVar variation 2765927 (VCV002765927.3), dbSNP rs1289728551, ClinGen allele CA356908168.
Genomic context (GRCh38, chr4:54,727,898, plus strand): 5'-CTGGAGCTTTCGGGAAGGTTGTTGAGGCAACTGCTTATGGCTTAATTAAGTCAGATGCGG[C>A]CATGACTGTCGCTGTAAAGATGCTCAAGCGTAAGTTCCTGTATGGTACTGCATGCGCTTG-3'
Protein context (NP_000213.1, residues 607-627): TAYGLIKSDA[Ala617Asp]MTVAVKMLKP